The following is an entry in ClinVar:

NM_022168.4(IFIH1):c.1753A>G (p.Met585Val)

Gene: IFIH1 (interferon induced with helicase C domain 1; minus strand). Cytogenetic location: 2q24.2.
Variant type: single nucleotide variant.
Coding change: c.1753A>G on transcript NM_022168.4 (MANE Select); coding-DNA position 1753, A replaced by G.
Protein change: p.Met585Val; replaces methionine 585 with valine.
Molecular consequence: missense variant.
Genome position (GRCh38, 1-based): chr2:162,278,217, T>C on the plus strand (A>G on the coding strand, the complement: IFIH1 is on the minus strand). VCF-style: chr2-162278217-T-C. GRCh37 (hg19) VCF-style: chr2-163134727-T-C.
Other names: short protein forms M585V.
Identifiers: ClinVar variation 4792819 (VCV004792819.1).
Genomic context (GRCh38, chr2:162,278,217, plus strand): 5'-TGGTATAAACATGGGATAAACTAAGTGTTAGGTCCAAACCTAAATTACCTTTTTTTTCCA[T>C]TTGAATGGCCCATTGTTCATAGGGTTGAGTTCCAAAATCTGACATTGGACTCATTTGACA-3'
Protein context (NP_071451.2, residues 575-595): TQPYEQWAIQ[Met585Val]EKKAAKEGNR

ClinVar aggregate classification (germline): Uncertain significance (1 of 4 stars; one submission).

Conditions:
Aicardi-Goutieres syndrome 7 (AGS7). Identifiers: Orphanet 51, MedGen C3888244, MONDO:0014367, OMIM 615846.
Singleton-Merten syndrome 1 (SGMRT1). Also called: Widened medullary cavities of bone, aortic calcification, abnormal dentition, and muscular weakness; Syndrome of widened medullary cavities of the metacarpals and phalanges, aortic calcification and abnormal dentition. Identifiers: Orphanet 85191, MedGen C4225427, MONDO:0024535, OMIM 182250.

gnomAD v4.1: 2 of 1,604,516 alleles (0.00012%); highest among the groups gnomAD compares: Admixed American, 0.0017%; no homozygotes.

Submission:

Labcorp Genetics (formerly Invitae), Labcorp
Classification: Uncertain significance for Aicardi-Goutieres syndrome 7; Singleton-Merten syndrome 1. Last evaluated: 2025-12-08. Review status: criteria provided, single submitter. Criteria: Invitae Variant Classification Sherloc (09022015). Collection method: clinical testing. Allele origin: germline.
Comment: This sequence change replaces methionine, which is neutral and non-polar, with valine, which is neutral and non-polar, at codon 585 of the IFIH1 protein (p.Met585Val). This variant is present in population databases (no rsID available, gnomAD 0.003%). This variant has not been reported in the literature in individuals affected with IFIH1-related conditions. Invitae Evidence Modeling of protein sequence and biophysical properties (such as structural, functional, and spatial information, amino acid conservation, physicochemical variation, residue mobility, and thermodynamic stability) has been performed for this missense variant. However, the output from this modeling did not meet the statistical confidence thresholds required to predict the impact of this variant on IFIH1 protein function. In summary, the available evidence is currently insufficient to determine the role of this variant in disease. Therefore, it has been classified as a Variant of Uncertain Significance.